The following is an entry in ClinVar:

ClinVar aggregate classification (germline): Likely pathogenic (1 of 4 stars; one submission).

Conditions:
Hereditary cancer-predisposing syndrome. Also called: Neoplastic Syndromes, Hereditary; Tumor predisposition; Hereditary neoplastic syndrome; Hereditary Cancer Syndrome. Identifiers: Orphanet 140162, MedGen C0027672, MeSH D009386, MONDO:0015356.

Submission:

Ambry Genetics
Classification: Likely pathogenic for Hereditary cancer-predisposing syndrome. Last evaluated: 2023-02-22. Review status: criteria provided, single submitter. Criteria: Ambry Variant Classification Scheme 2023. Collection method: clinical testing. Allele origin: germline.
Comment: The p.M1? variant (also known as c.2dupT) is located in coding exon 1 of the POT1 gene and results from a duplication of a T at nucleotide position 2. This alters the methionine residue at the initiation codon (ATG). This variant is considered to be rare based on population cohorts in the Genome Aggregation Database (gnomAD). This amino acid position is well conserved in available vertebrate species. Sequence variations that modify the initiation codon are expected to result in either loss of translation initiation, N-terminal truncation, or cause a shift in the mRNA reading frame. Based on the majority of available evidence to date, this variant is likely to be pathogenic.

NM_015450.3(POT1):c.2dup (p.Met1fs)

Gene: POT1 (protection of telomeres 1; minus strand). Cytogenetic location: 7q31.33.
Variant type: Duplication.
Coding change: c.2dup on transcript NM_015450.3 (MANE Select); coding-DNA position 2, one base duplicated (T; older notation c.2dupT).
Protein change: p.Met1fs; shifts the reading frame from methionine 1.
Molecular consequence: frameshift variant, initiator codon variant. On other transcripts: 5 prime UTR variant (1), non-coding transcript variant (3).
Genome position (GRCh38, 1-based): chr7:124,897,172, A duplicated on the plus strand (T on the coding strand, the reverse complement: POT1 is on the minus strand). VCF-style (leftmost placement, unchanged base first): chr7-124897171-C-CA. GRCh37 (hg19) VCF-style: chr7-124537225-C-CA.
Other names: c.-261dup (NM_001042594.2); short protein forms M1fs.
Identifiers: ClinVar variation 2450555 (VCV002450555.3), dbSNP rs2485575173, ClinGen allele CA2580076428.